The following is an entry in ClinVar:

ClinVar aggregate classification (germline): Uncertain significance (1 of 4 stars; one submission).

gnomAD v4.1: 5 of 1,611,426 alleles (0.00031%); no homozygotes.

Submission:

Labcorp Genetics (formerly Invitae), Labcorp
Classification: Uncertain significance. Last evaluated: 2025-09-02. Review status: criteria provided, single submitter. Criteria: Invitae Variant Classification Sherloc (09022015). Collection method: clinical testing. Allele origin: germline.
Comment: This sequence change replaces aspartic acid, which is acidic and polar, with asparagine, which is neutral and polar, at codon 154 of the GNAT1 protein (p.Asp154Asn). This variant is present in population databases (no rsID available, gnomAD 0.03%). This variant has not been reported in the literature in individuals affected with GNAT1-related conditions. ClinVar contains an entry for this variant (Variation ID: 1483075). Invitae Evidence Modeling of protein sequence and biophysical properties (such as structural, functional, and spatial information, amino acid conservation, physicochemical variation, residue mobility, and thermodynamic stability) indicates that this missense variant is not expected to disrupt GNAT1 protein function with a negative predictive value of 80%. In summary, the available evidence is currently insufficient to determine the role of this variant in disease. Therefore, it has been classified as a Variant of Uncertain Significance.

NM_144499.3(GNAT1):c.460G>A (p.Asp154Asn)

Gene: GNAT1 (G protein subunit alpha transducin 1; plus strand). Cytogenetic location: 3p21.31.
Variant type: single nucleotide variant.
Coding change: c.460G>A on transcript NM_144499.3 (MANE Select); coding-DNA position 460, G replaced by A.
Protein change: p.Asp154Asn; replaces aspartic acid 154 with asparagine.
Molecular consequence: missense variant.
Genome position (GRCh38, 1-based): chr3:50,193,763, G>A. VCF-style: chr3-50193763-G-A. GRCh37 (hg19) VCF-style: chr3-50231196-G-A.
Other names: c.460G>A, p.Asp154Asn (NM_000172.4); short protein forms D154N.
Identifiers: ClinVar variation 1483075 (VCV001483075.8), dbSNP rs1293620319, ClinGen allele CA352915972.